The following is an entry in ClinVar:

ClinVar aggregate classification (germline): Uncertain significance (1 of 4 stars; one submission).

Allele frequency attached by ClinVar (database versions not stated): gnomAD exomes 0.00001.
gnomAD v4.1: 15 of 1,614,200 alleles (0.00093%); highest among the groups gnomAD compares: Non-Finnish European, 0.0013%; no homozygotes.

Submission:

Labcorp Genetics (formerly Invitae), Labcorp
Classification: Uncertain significance. Last evaluated: 2025-07-10. Review status: criteria provided, single submitter. Criteria: Invitae Variant Classification Sherloc (09022015). Collection method: clinical testing. Allele origin: germline.
Comment: This sequence change replaces lysine, which is basic and polar, with arginine, which is basic and polar, at codon 91 of the HARS2 protein (p.Lys91Arg). This variant is present in population databases (no rsID available, gnomAD 0.0009%). This variant has not been reported in the literature in individuals affected with HARS2-related conditions. ClinVar contains an entry for this variant (Variation ID: 2991705). Invitae Evidence Modeling of protein sequence and biophysical properties (such as structural, functional, and spatial information, amino acid conservation, physicochemical variation, residue mobility, and thermodynamic stability) indicates that this missense variant is not expected to disrupt HARS2 protein function with a negative predictive value of 80%. In summary, the available evidence is currently insufficient to determine the role of this variant in disease. Therefore, it has been classified as a Variant of Uncertain Significance.

NM_012208.4(HARS2):c.272A>G (p.Lys91Arg)

Gene: HARS2 (histidyl-tRNA synthetase 2, mitochondrial; plus strand). Cytogenetic location: 5q31.3.
Variant type: single nucleotide variant.
Coding change: c.272A>G on transcript NM_012208.4 (MANE Select); coding-DNA position 272, A replaced by G.
Protein change: p.Lys91Arg; replaces lysine 91 with arginine.
Molecular consequence: missense variant.
Genome position (GRCh38, 1-based): chr5:140,694,023, A>G. VCF-style: chr5-140694023-A-G. GRCh37 (hg19) VCF-style: chr5-140073608-A-G.
Other names: c.197A>G, p.Lys66Arg (NM_001278731.2); c.62A>G, p.Lys21Arg (NM_001278732.2, NM_001363536.2); c.290A>G, p.Lys97Arg (NM_001363535.2); short protein forms K66R, K21R, K91R, K97R.
Identifiers: ClinVar variation 2991705 (VCV002991705.3), dbSNP rs1487003278, ClinGen allele CA361194769.
Genomic context (GRCh38, chr5:140,694,023, plus strand): 5'-TGGTTGTGAGGGAGAAAATTCTTGATTTGGTTATCAGCTGCTTTAAACGTCATGGAGCAA[A>G]GGGGATGGACACCCCAGCATTTGAGCTGAAGGTAAGGGGAGAAGAAAGAGTACGTGCAAC-3'
Protein context (NP_036340.1, residues 81-101): VISCFKRHGA[Lys91Arg]GMDTPAFELK